The following is an entry in ClinVar:

NM_178526.5(SLC25A42):c.827G>A (p.Arg276Gln)

Gene: SLC25A42 (solute carrier family 25 member 42; plus strand). Cytogenetic location: 19p13.11.
Variant type: single nucleotide variant.
Coding change: c.827G>A on transcript NM_178526.5 (MANE Select); coding-DNA position 827, G replaced by A.
Protein change: p.Arg276Gln; replaces arginine 276 with glutamine.
Molecular consequence: missense variant.
Genome position (GRCh38, 1-based): chr19:19,110,746, G>A. VCF-style: chr19-19110746-G-A. GRCh37 (hg19) VCF-style: chr19-19221555-G-A.
Other names: p.Arg276Gln; c.827G>A, p.Arg276Gln (NM_001321544.2); short protein forms R276Q.
Identifiers: ClinVar variation 1489183 (VCV001489183.5), dbSNP rs200692918, ClinGen allele CA9321578.

ClinVar aggregate classification (germline): Uncertain significance. Review status: criteria provided, multiple submitters, no conflicts (2 of 4 stars). 2 submissions from 2 submitters: Uncertain significance (2). Last evaluated 2024-12-17.

Allele frequency attached by ClinVar (database versions not stated): ESP Exome Variant Server 0.00023; gnomAD exomes 0.00033; ExAC 0.00036.
gnomAD v4.1: 580 of 1,612,244 alleles (0.036%); highest among the groups gnomAD compares: Non-Finnish European, 0.045%; 1 homozygote.

Submissions (2):

Labcorp Genetics (formerly Invitae), Labcorp
Classification: Uncertain significance. Last evaluated: 2024-12-17. Review status: criteria provided, single submitter. Criteria: Invitae Variant Classification Sherloc (09022015). Collection method: clinical testing. Allele origin: germline.
Comment: This sequence change replaces arginine, which is basic and polar, with glutamine, which is neutral and polar, at codon 276 of the SLC25A42 protein (p.Arg276Gln). This variant is present in population databases (rs200692918, gnomAD 0.06%). This variant has not been reported in the literature in individuals affected with SLC25A42-related conditions. ClinVar contains an entry for this variant (Variation ID: 1489183). Invitae Evidence Modeling of protein sequence and biophysical properties (such as structural, functional, and spatial information, amino acid conservation, physicochemical variation, residue mobility, and thermodynamic stability) indicates that this missense variant is not expected to disrupt SLC25A42 protein function with a negative predictive value of 80%. In summary, the available evidence is currently insufficient to determine the role of this variant in disease. Therefore, it has been classified as a Variant of Uncertain Significance.

Mayo Clinic Laboratories, Mayo Clinic
Classification: Uncertain significance. Last evaluated: 2024-11-19. Review status: criteria provided, single submitter. Criteria: ACMG Guidelines, 2015. Collection method: clinical testing. Allele origin: germline. Observed: 1 variant allele.
Comment: BP4